The following is an entry in ClinVar:

NM_000388.4(CASR):c.1823G>A (p.Trp608Ter)

Gene: CASR (calcium sensing receptor; plus strand). Cytogenetic location: 3q21.1.
Variant type: single nucleotide variant.
Coding change: c.1823G>A on transcript NM_000388.4 (MANE Select); coding-DNA position 1823, G replaced by A.
Protein change: p.Trp608Ter; replaces tryptophan 608 with a stop codon.
Molecular consequence: nonsense.
Genome position (GRCh38, 1-based): chr3:122,283,777, G>A. VCF-style: chr3-122283777-G-A. GRCh37 (hg19) VCF-style: chr3-122002624-G-A.
Other names: c.1853G>A, p.Trp618Ter (NM_001178065.2); short protein forms W608*, W618*.
Identifiers: ClinVar variation 3763124 (VCV003763124.2).
Genomic context (GRCh38, chr3:122,283,777, plus strand): 5'-ACTTCTGGTCCAATGAGAACCACACCTCCTGCATTGCCAAGGAGATCGAGTTTCTGTCGT[G>A]GACGGAGCCCTTTGGGATCGCACTCACCCTCTTTGCCGTGCTGGGCATTTTCCTGACAGC-3'

ClinVar aggregate classification (germline): Pathogenic (1 of 4 stars; one submission).

Conditions:
Autosomal dominant hypocalcemia 1 (HYPOC1). Also called: HYPOCALCEMIA, FAMILIAL. Identifiers: MedGen C3715128, MONDO:0011013, OMIM 601198.
Familial hypocalciuric hypercalcemia (FHH). Also called: Familial benign hypercalcemia. Identifiers: Orphanet 405, MedGen C1809471, MONDO:0018458.

Submission:

Labcorp Genetics (formerly Invitae), Labcorp
Classification: Pathogenic for Familial hypocalciuric hypercalcemia; Autosomal dominant hypocalcemia 1. Last evaluated: 2024-07-11. Review status: criteria provided, single submitter. Criteria: Invitae Variant Classification Sherloc (09022015). Collection method: clinical testing. Allele origin: germline.
Comment: This sequence change creates a premature translational stop signal (p.Trp608*) in the CASR gene. While this is not anticipated to result in nonsense mediated decay, it is expected to disrupt the last 471 amino acid(s) of the CASR protein. This variant is not present in population databases (gnomAD no frequency). This premature translational stop signal has been observed in individual(s) with CASR-related conditions (PMID: 31672324). This variant disrupts a region of the CASR protein in which other variant(s) (p.Arg886Pro) have been determined to be pathogenic (PMID: 11807402). This suggests that this is a clinically significant region of the protein, and that variants that disrupt it are likely to be disease-causing. For these reasons, this variant has been classified as Pathogenic.

Literature cited by the submitters: PubMed 31672324; PubMed 11807402.